The following is an entry in ClinVar:

ClinVar aggregate classification (germline): Uncertain significance. Review status: criteria provided, multiple submitters, no conflicts (2 of 4 stars). 5 submissions from 5 submitters: Uncertain significance (4). 1 of the submissions does not count toward it. Last evaluated 2026-01-17.

Conditions:
Thrombophilia due to protein S deficiency, autosomal recessive (THPH6). Identifiers: Orphanet 743, MedGen C3281092, MONDO:0013791, OMIM 614514. Disease mechanism: loss of function.
Thrombophilia due to protein S deficiency, autosomal dominant (THPH5). Identifiers: Orphanet 26349, Orphanet 743, MedGen C3278211, MONDO:0012868, OMIM 612336. Disease mechanism: loss of function.
Retinal dystrophy. Also called: Inherited retinal dystrophy. Identifiers: Orphanet 71862, MedGen C0854723, MeSH D058499, MONDO:0019118, HP:0000556.

Allele frequency attached by ClinVar (database versions not stated): gnomAD 0.00007; gnomAD exomes 0.00004; TOPMed 0.00004; ExAC 0.00004.

Submissions (5):

Labcorp Genetics (formerly Invitae), Labcorp
Classification: Uncertain significance for Thrombophilia due to protein S deficiency, autosomal recessive. Last evaluated: 2026-01-17. Review status: criteria provided, single submitter. Criteria: Invitae Variant Classification Sherloc (09022015). Collection method: clinical testing. Allele origin: germline.
Comment: This sequence change replaces alanine, which is neutral and non-polar, with valine, which is neutral and non-polar, at codon 348 of the PROS1 protein (p.Ala348Val). This variant is present in population databases (rs769125007, gnomAD 0.05%). This variant has not been reported in the literature in individuals affected with PROS1-related conditions. ClinVar contains an entry for this variant (Variation ID: 1330277). Invitae Evidence Modeling of protein sequence and biophysical properties (such as structural, functional, and spatial information, amino acid conservation, physicochemical variation, residue mobility, and thermodynamic stability) indicates that this missense variant is not expected to disrupt PROS1 protein function with a negative predictive value of 80%. In summary, the available evidence is currently insufficient to determine the role of this variant in disease. Therefore, it has been classified as a Variant of Uncertain Significance.

Dasa
Classification: Uncertain significance. Last evaluated: 2025-11-17. Review status: criteria provided, single submitter. Criteria: DASA Assertion Criteria. Collection method: clinical testing. Allele origin: germline.
Comment: NM_000313.4(PROS1):c.1043C>T (p.Ala348Val) is a missense variant that results in the substitution of alanine with valine. This variant is rare in population databases. The currently available literature and clinical evidence are not sufficient to establish a definitive association between this variant and the reported condition. Therefore, this variant is classified as a variant of uncertain significance.

MVZ Martinsried, Medicover Genetics
Classification: Uncertain significance for Thrombophilia due to protein S deficiency, autosomal dominant. Last evaluated: 2021-04-21. Review status: criteria provided, single submitter. Criteria: ACGS Guidelines, 2020. Collection method: clinical testing. Allele origin: unknown. Affected: yes.

Breakthrough Genomics
Classification: Uncertain significance. Review status: criteria provided, single submitter. Criteria: ACMG Guidelines, 2015. Collection method: not provided. Allele origin: germline. Inheritance: Autosomal recessive inheritance. Affected: yes.

Institute of Human Genetics, Univ. Regensburg, Univ. Regensburg
Classification: Uncertain significance for Retinal dystrophy. Last evaluated: 2022-01-01. Review status: no assertion criteria provided. Criteria: ACMG Guidelines, 2015. Collection method: clinical testing. Allele origin: germline. Affected: yes. Not counted in ClinVar's aggregate classification.

NM_000313.4(PROS1):c.1043C>T (p.Ala348Val)

Gene: PROS1 (protein S; minus strand). Cytogenetic location: 3q11.1.
Variant type: single nucleotide variant.
Coding change: c.1043C>T on transcript NM_000313.4 (MANE Select); coding-DNA position 1043, C replaced by T.
Protein change: p.Ala348Val; replaces alanine 348 with valine.
Molecular consequence: missense variant.
Genome position (GRCh38, 1-based): chr3:93,893,045, G>A on the plus strand (C>T on the coding strand, the complement: PROS1 is on the minus strand). VCF-style: chr3-93893045-G-A. GRCh37 (hg19) VCF-style: chr3-93611889-G-A.
Other names: c.1139C>T, p.Ala380Val (NM_001314077.2); short protein forms A348V, A380V.
Identifiers: ClinVar variation 1330277 (VCV001330277.8), dbSNP rs769125007, ClinGen allele CA2503284.
Genomic context (GRCh38, chr3:93,893,045, plus strand): 5'-GTATGTTCATTCTTAAGCTGAACTTCAATCTTTCCACCACGAAGTGCAATCAGGAGCCAC[G>A]CTGAGTGATCGATAGATTCTGCGTACAGTATCACGCCTTCTGAATCATATGTCCGGAAAT-3'
Protein context (NP_000304.2, residues 338-358): ILYAESIDHS[Ala348Val]WLLIALRGGK